The following is an entry in ClinVar:

ClinVar aggregate classification (germline): Benign. Review status: criteria provided, multiple submitters, no conflicts (2 of 4 stars). 2 submissions from 2 submitters: Benign (2). Last evaluated 2026-02-01.

Allele frequency attached by ClinVar (database versions not stated): TOPMed 0.07108; ESP Exome Variant Server 0.07374; gnomAD exomes 0.07414 and 0.07616; gnomAD 0.07456 and 0.07506; 1000 Genomes Project 0.07847; 1000 Genomes Project 30x 0.07933; ExAC 0.08098.
gnomAD v4.1: 122,698 of 1,611,756 alleles (7.6%); highest among the groups gnomAD compares: East Asian, 12%; 4,903 homozygotes.

Submissions (2):

Labcorp Genetics (formerly Invitae), Labcorp
Classification: Benign. Last evaluated: 2026-02-01. Review status: criteria provided, single submitter. Criteria: Invitae Variant Classification Sherloc (09022015). Collection method: clinical testing. Allele origin: germline.

GeneDx
Classification: Benign. Last evaluated: 2016-01-27. Review status: criteria provided, single submitter. Criteria: GeneDx Variant Classification (06012015). Collection method: clinical testing. Allele origin: germline. Affected: yes.
Comment: This variant is considered likely benign or benign based on one or more of the following criteria: it is a conservative change, it occurs at a poorly conserved position in the protein, it is predicted to be benign by multiple in silico algorithms, and/or has population frequency not consistent with disease.

NM_018341.3(ERMARD):c.1739+18T>C

Gene: ERMARD (ER membrane associated RNA degradation; plus strand). Cytogenetic location: 6q27.
Variant type: single nucleotide variant.
Coding change: c.1739+18T>C on transcript NM_018341.3 (MANE Select); 18 bases into the intron after coding-DNA position 1739, T replaced by C.
Molecular consequence: intron variant.
Genome position (GRCh38, 1-based): chr6:169,776,691, T>C. VCF-style: chr6-169776691-T-C. GRCh37 (hg19) VCF-style: chr6-170176787-T-C.
Other names: c.1598+280T>C (NM_001278531.2); c.1520+626T>C (NM_001278533.2); c.1361+18T>C (NM_001278532.2).
Identifiers: ClinVar variation 380790 (VCV000380790.11), dbSNP rs79997179, ClinGen allele CA4106404.
Genomic context (GRCh38, chr6:169,776,691, plus strand): 5'-TGCGGTCTCGCCAGCGGCAGAACTACCTGCGTATGTGGAGTAGGTGCGCGCTCACTTTCC[T>C]GTTTTGGAGGGGCACTGTGGGGCAGGAAGTTGTCACAGATGCAGTTCTAGTCCTCACTTC-3'